The following is an entry in ClinVar:

NM_138413.4(HOGA1):c.292C>T (p.Gln98Ter)

Gene: HOGA1 (4-hydroxy-2-oxoglutarate aldolase 1; plus strand). Cytogenetic location: 10q24.2.
Variant type: single nucleotide variant.
Coding change: c.292C>T on transcript NM_138413.4 (MANE Select); coding-DNA position 292, C replaced by T.
Protein change: p.Gln98Ter; replaces glutamine 98 with a stop codon.
Molecular consequence: nonsense. On other transcripts: intron variant (1).
Genome position (GRCh38, 1-based): chr10:97,598,855, C>T. VCF-style: chr10-97598855-C-T. GRCh37 (hg19) VCF-style: chr10-99358612-C-T.
Other names: c.212-3002C>T (NM_001134670.2); short protein forms Q98*.
Identifiers: ClinVar variation 4711736 (VCV004711736.1).

ClinVar aggregate classification (germline): Pathogenic (1 of 4 stars; one submission).

Submission:

Labcorp Genetics (formerly Invitae), Labcorp
Classification: Pathogenic. Last evaluated: 2025-03-01. Review status: criteria provided, single submitter. Criteria: Invitae Variant Classification Sherloc (09022015). Collection method: clinical testing. Allele origin: germline.
Comment: This sequence change creates a premature translational stop signal (p.Gln98*) in the HOGA1 gene. It is expected to result in an absent or disrupted protein product. Loss-of-function variants in HOGA1 are known to be pathogenic (PMID: 22391140, 22781098). This variant is not present in population databases (gnomAD no frequency). This variant has not been reported in the literature in individuals affected with HOGA1-related conditions. Algorithms developed to predict the effect of sequence changes on RNA splicing suggest that this variant may disrupt the consensus splice site. For these reasons, this variant has been classified as Pathogenic.

Literature cited by the submitters: PubMed 22391140; PubMed 22781098.